The following is an entry in ClinVar:

ClinVar aggregate classification (germline): Uncertain significance (1 of 4 stars; one submission).

Conditions:
Cystic fibrosis (CF). Also called: MUCOVISCIDOSIS. Identifiers: Orphanet 586, MedGen C0010674, MONDO:0009061, OMIM 219700. Disease mechanism: loss of function.

Submission:

Ambry Genetics
Classification: Uncertain significance for Cystic fibrosis. Last evaluated: 2023-07-24. Review status: criteria provided, single submitter. Criteria: Ambry Variant Classification Scheme 2023. Collection method: clinical testing. Allele origin: germline.
Comment: The c.2145A>G variant (also known as p.Q715Q), located in coding exon 14 of the CFTR gene, results from an A to G substitution at nucleotide position 2145. This nucleotide substitution does not change the glutamine at codon 715. This nucleotide position is not well conserved in available vertebrate species. In silico splice site analysis predicts that this alteration may result in the creation or strengthening of a novel splice acceptor site. Since supporting evidence is limited at this time, the clinical significance of this alteration remains unclear.

NM_000492.4(CFTR):c.2145A>G (p.Gln715=)

Gene: CFTR (CF transmembrane conductance regulator; plus strand). Cytogenetic location: 7q31.2.
Variant type: single nucleotide variant.
Coding change: c.2145A>G on transcript NM_000492.4 (MANE Select); coding-DNA position 2145, A replaced by G.
Protein change: p.Gln715=; no amino-acid change (glutamine 715 retained).
Molecular consequence: synonymous variant.
Genome position (GRCh38, 1-based): chr7:117,592,312, A>G. VCF-style: chr7-117592312-A-G. GRCh37 (hg19) VCF-style: chr7-117232366-A-G.
Identifiers: ClinVar variation 2624966 (VCV002624966.2), dbSNP rs141235765, ClinGen allele CA457449380.